The following is an entry in ClinVar:

NM_139055.4(ADAMTS15):c.363G>C (p.Gly121=)

Gene: ADAMTS15 (ADAM metallopeptidase with thrombospondin type 1 motif 15; plus strand). Cytogenetic location: 11q24.3.
Variant type: single nucleotide variant.
Coding change: c.363G>C on transcript NM_139055.4 (MANE Select); coding-DNA position 363, G replaced by C.
Protein change: p.Gly121=; no amino-acid change (glycine 121 retained).
Molecular consequence: synonymous variant.
Genome position (GRCh38, 1-based): chr11:130,449,336, G>C. VCF-style: chr11-130449336-G-C. GRCh37 (hg19) VCF-style: chr11-130319231-G-C.
Identifiers: ClinVar variation 4875299 (VCV004875299.2).

ClinVar aggregate classification (germline): Likely benign (1 of 4 stars; one submission).

Submission:

CeGaT Center for Human Genetics Tuebingen
Classification: Likely benign. Last evaluated: 2026-06-01. Review status: criteria provided, single submitter. Criteria: CeGaT Center For Human Genetics Tuebingen Variant Classification Criteria Version 2. Collection method: clinical testing. Allele origin: germline. Affected: yes. Observed: 1 variant allele.
Comment: ADAMTS15: PM2:Supporting, BP4, BP7